The following is an entry in ClinVar:

ClinVar aggregate classification (germline): Uncertain significance (1 of 4 stars; one submission).

Conditions:
Parathyroid carcinoma (PRTC). Also called: Parathyroid gland carcinoma; CDC73-Related Parathyroid Carcinoma. Identifiers: Orphanet 143, MedGen C0687150, MONDO:0012004, OMIM 608266, HP:0006780.

Submission:

Labcorp Genetics (formerly Invitae), Labcorp
Classification: Uncertain significance for Parathyroid carcinoma. Last evaluated: 2024-10-28. Review status: criteria provided, single submitter. Criteria: Invitae Variant Classification Sherloc (09022015). Collection method: clinical testing. Allele origin: germline.
Comment: This sequence change falls in intron 12 of the CDC73 gene. It does not directly change the encoded amino acid sequence of the CDC73 protein. It affects a nucleotide within the consensus splice site. This variant is not present in population databases (gnomAD no frequency). This variant has not been reported in the literature in individuals affected with CDC73-related conditions. Variants that disrupt the consensus splice site are a relatively common cause of aberrant splicing (PMID: 17576681, 9536098). Algorithms developed to predict the effect of sequence changes on RNA splicing suggest that this variant may disrupt the consensus splice site. In summary, the available evidence is currently insufficient to determine the role of this variant in disease. Therefore, it has been classified as a Variant of Uncertain Significance.

Literature cited by the submitters: PubMed 17576681; PubMed 9536098.

NM_024529.5(CDC73):c.1066+4A>G

Gene: CDC73 (cell division cycle 73; plus strand). Cytogenetic location: 1q31.2.
Variant type: single nucleotide variant.
Coding change: c.1066+4A>G on transcript NM_024529.5 (MANE Select); 4 bases into the intron after coding-DNA position 1066, A replaced by G.
Molecular consequence: intron variant.
Genome position (GRCh38, 1-based): chr1:193,212,104, A>G. VCF-style: chr1-193212104-A-G. GRCh37 (hg19) VCF-style: chr1-193181234-A-G.
Identifiers: ClinVar variation 3658409 (VCV003658409.2).